The following is an entry in ClinVar:

ClinVar aggregate classification (germline): Uncertain significance (1 of 4 stars; one submission).

Conditions:
Dyskeratosis congenita, autosomal dominant 2. Identifiers: MedGen C3151443, MONDO:0013521, OMIM 613989.
Idiopathic Pulmonary Fibrosis. Also called: Idiopathic fibrosing alveolitis, chronic form; idiopathic fibrosing alveolitis. Identifiers: Orphanet 2032, MedGen C1800706, MeSH D054990, MONDO:0800504.

Submission:

Labcorp Genetics (formerly Invitae), Labcorp
Classification: Uncertain significance for Dyskeratosis congenita, autosomal dominant 2; Idiopathic Pulmonary Fibrosis. Last evaluated: 2020-03-02. Review status: criteria provided, single submitter. Criteria: Invitae Variant Classification Sherloc (09022015). Collection method: clinical testing. Allele origin: germline.
Comment: In summary, the available evidence is currently insufficient to determine the role of this variant in disease. Therefore, it has been classified as a Variant of Uncertain Significance. Algorithms developed to predict the effect of missense changes on protein structure and function (SIFT, PolyPhen-2, Align-GVGD) all suggest that this variant is likely to be tolerated, but these predictions have not been confirmed by published functional studies and their clinical significance is uncertain. This sequence change replaces glutamic acid with alanine at codon 286 of the TERT protein (p.Glu286Ala). The glutamic acid residue is weakly conserved and there is a moderate physicochemical difference between glutamic acid and alanine. This variant is not present in population databases (ExAC no frequency). This variant has not been reported in the literature in individuals with TERT-related conditions.

NM_198253.3(TERT):c.857A>C (p.Glu286Ala)

Gene: TERT (telomerase reverse transcriptase; minus strand). Cytogenetic location: 5p15.33.
Variant type: single nucleotide variant.
Coding change: c.857A>C on transcript NM_198253.3 (MANE Select); coding-DNA position 857, A replaced by C.
Protein change: p.Glu286Ala; replaces glutamic acid 286 with alanine.
Molecular consequence: missense variant. On other transcripts: non-coding transcript variant (2).
Genome position (GRCh38, 1-based): chr5:1,294,029, T>G on the plus strand (A>C on the coding strand, the complement: TERT is on the minus strand). VCF-style: chr5-1294029-T-G. GRCh37 (hg19) VCF-style: chr5-1294144-T-G.
Other names: c.857A>C, p.Glu286Ala (NM_001193376.3); short protein forms E286A.
Identifiers: ClinVar variation 1057945 (VCV001057945.9), dbSNP rs2126687381, ClinGen allele CA359056451.